The following is an entry in ClinVar:

ClinVar aggregate classification (germline): Uncertain significance. Review status: criteria provided, multiple submitters, no conflicts (2 of 4 stars). 2 submissions from 2 submitters: Uncertain significance (2). Last evaluated 2024-04-14.

Allele frequency attached by ClinVar (database versions not stated): gnomAD exomes below 0.00001.
gnomAD v4.1: 2 of 1,613,956 alleles (0.00012%); highest among the groups gnomAD compares: South Asian, 0.0011%; no homozygotes.

Submissions (2):

Ambry Genetics
Classification: Uncertain significance. Last evaluated: 2024-04-14. Review status: criteria provided, single submitter. Criteria: Ambry Variant Classification Scheme 2023. Collection method: clinical testing. Allele origin: germline.
Comment: The p.P53S variant (also known as c.157C>T), located in coding exon 3 of the RPS20 gene, results from a C to T substitution at nucleotide position 157. The proline at codon 53 is replaced by serine, an amino acid with similar properties. This amino acid position is conserved. In addition, this alteration is predicted to be deleterious by in silico analysis. Based on the available evidence, the clinical significance of this variant remains unclear.

Labcorp Genetics (formerly Invitae), Labcorp
Classification: Uncertain significance. Last evaluated: 2022-11-10. Review status: criteria provided, single submitter. Criteria: Invitae Variant Classification Sherloc (09022015). Collection method: clinical testing. Allele origin: germline.
Comment: In summary, the available evidence is currently insufficient to determine the role of this variant in disease. Therefore, it has been classified as a Variant of Uncertain Significance. Algorithms developed to predict the effect of missense changes on protein structure and function (SIFT, PolyPhen-2, Align-GVGD) all suggest that this variant is likely to be disruptive. This variant has not been reported in the literature in individuals affected with RPS20-related conditions. This variant is not present in population databases (gnomAD no frequency). This sequence change replaces proline, which is neutral and non-polar, with serine, which is neutral and polar, at codon 53 of the RPS20 protein (p.Pro53Ser).

NM_001023.4(RPS20):c.157C>T (p.Pro53Ser)

Gene: RPS20 (ribosomal protein S20; minus strand). Cytogenetic location: 8q12.1.
Variant type: single nucleotide variant.
Coding change: c.157C>T on transcript NM_001023.4 (MANE Select); coding-DNA position 157, C replaced by T.
Protein change: p.Pro53Ser; replaces proline 53 with serine.
Molecular consequence: missense variant.
Genome position (GRCh38, 1-based): chr8:56,073,715, G>A on the plus strand (C>T on the coding strand, the complement: RPS20 is on the minus strand). VCF-style: chr8-56073715-G-A. GRCh37 (hg19) VCF-style: chr8-56986274-G-A.
Other names: c.157C>T (NM_001023.3); c.157C>T, p.Pro53Ser (NM_001146227.3); short protein forms P53S.
Identifiers: ClinVar variation 2739761 (VCV002739761.4), dbSNP rs2486983928, ClinGen allele CA371283521.